The following is an entry in ClinVar:

ClinVar aggregate classification (germline): Uncertain significance (1 of 4 stars; one submission).

Conditions:
Frontotemporal dementia and/or amyotrophic lateral sclerosis 4. Also called: FTDALS4. Identifiers: Orphanet 275872, MedGen C4225325, MONDO:0014641, OMIM 616439.

Allele frequency attached by ClinVar (database versions not stated): TOPMed below 0.00001; gnomAD exomes 0.00001.

Submission:

Labcorp Genetics (formerly Invitae), Labcorp
Classification: Uncertain significance for Frontotemporal dementia and/or amyotrophic lateral sclerosis 4. Last evaluated: 2023-08-27. Review status: criteria provided, single submitter. Criteria: Invitae Variant Classification Sherloc (09022015). Collection method: clinical testing. Allele origin: germline.
Comment: This sequence change replaces glycine, which is neutral and non-polar, with arginine, which is basic and polar, at codon 217 of the TBK1 protein (p.Gly217Arg). This variant is not present in population databases (gnomAD no frequency). This missense change has been observed in individual(s) with amyotrophic lateral sclerosis (PMID: 30033073). An algorithm developed to predict the effect of missense changes on protein structure and function (PolyPhen-2) suggests that this variant is likely to be disruptive. Experimental studies have shown that this missense change affects TBK1 function (PMID: 30033073, 31748271, 34099552). In summary, the available evidence is currently insufficient to determine the role of this variant in disease. Therefore, it has been classified as a Variant of Uncertain Significance.

Literature cited by the submitters: PubMed 30033073; PubMed 31748271; PubMed 34099552.

NM_013254.4(TBK1):c.649G>A (p.Gly217Arg)

Gene: TBK1 (TANK binding kinase 1; plus strand). Cytogenetic location: 12q14.2.
Variant type: single nucleotide variant.
Coding change: c.649G>A on transcript NM_013254.4 (MANE Select); coding-DNA position 649, G replaced by A.
Protein change: p.Gly217Arg; replaces glycine 217 with arginine.
Molecular consequence: missense variant.
Genome position (GRCh38, 1-based): chr12:64,474,338, G>A. VCF-style: chr12-64474338-G-A. GRCh37 (hg19) VCF-style: chr12-64868118-G-A.
Other names: short protein forms G217R.
Identifiers: ClinVar variation 2910316 (VCV002910316.3), dbSNP rs2040691812, ClinGen allele CA385597745.